The following is an entry in ClinVar:

NM_144687.4(NLRP12):c.1160T>A (p.Val387Asp)

Gene: NLRP12 (NLR family pyrin domain containing 12; minus strand). Cytogenetic location: 19q13.42.
Variant type: single nucleotide variant.
Coding change: c.1160T>A on transcript NM_144687.4 (MANE Select); coding-DNA position 1160, T replaced by A.
Protein change: p.Val387Asp; replaces valine 387 with aspartic acid.
Molecular consequence: missense variant.
Genome position (GRCh38, 1-based): chr19:53,810,499, A>T on the plus strand (T>A on the coding strand, the complement: NLRP12 is on the minus strand). VCF-style: chr19-53810499-A-T. GRCh37 (hg19) VCF-style: chr19-54313753-A-T.
Other names: c.1160T>A, p.Val387Asp (NM_001277126.2, NM_001277129.1); short protein forms V387D.
Identifiers: ClinVar variation 1513407 (VCV001513407.8), dbSNP rs1407939597, ClinGen allele CA407414661.

ClinVar aggregate classification (germline): Uncertain significance (1 of 4 stars; one submission).

Conditions:
Familial cold autoinflammatory syndrome 2 (FCAS2). Identifiers: Orphanet 247868, MedGen C2673198, MONDO:0012724, OMIM 611762.

Allele frequency attached by ClinVar (database versions not stated): gnomAD exomes below 0.00001; TOPMed below 0.00001.

Submission:

Labcorp Genetics (formerly Invitae), Labcorp
Classification: Uncertain significance for Familial cold autoinflammatory syndrome 2. Last evaluated: 2025-12-11. Review status: criteria provided, single submitter. Criteria: Invitae Variant Classification Sherloc (09022015). Collection method: clinical testing. Allele origin: germline.
Comment: This sequence change replaces valine, which is neutral and non-polar, with aspartic acid, which is acidic and polar, at codon 387 of the NLRP12 protein (p.Val387Asp). This variant is present in population databases (no rsID available, gnomAD 0.003%). This variant has not been reported in the literature in individuals affected with NLRP12-related conditions. ClinVar contains an entry for this variant (Variation ID: 1513407). Invitae Evidence Modeling of protein sequence and biophysical properties (such as structural, functional, and spatial information, amino acid conservation, physicochemical variation, residue mobility, and thermodynamic stability) indicates that this missense variant is expected to disrupt NLRP12 protein function with a positive predictive value of 80%. In summary, the available evidence is currently insufficient to determine the role of this variant in disease. Therefore, it has been classified as a Variant of Uncertain Significance.